The following is an entry in ClinVar:

ClinVar aggregate classification (germline): Uncertain significance. Review status: criteria provided, multiple submitters, no conflicts (2 of 4 stars). 2 submissions from 2 submitters: Uncertain significance (2). Last evaluated 2024-04-24.

Submissions (2):

GeneDx
Classification: Uncertain significance. Last evaluated: 2024-04-24. Review status: criteria provided, single submitter. Criteria: GeneDx Variant Classification Process June 2021. Collection method: clinical testing. Allele origin: germline. Affected: yes.
Comment: Not observed at significant frequency in large population cohorts (gnomAD); In silico analysis supports that this missense variant has a deleterious effect on protein structure/function; Has not been previously published as pathogenic or benign to our knowledge

Labcorp Genetics (formerly Invitae), Labcorp
Classification: Uncertain significance. Last evaluated: 2023-09-30. Review status: criteria provided, single submitter. Criteria: Invitae Variant Classification Sherloc (09022015). Collection method: clinical testing. Allele origin: germline.
Comment: In summary, the available evidence is currently insufficient to determine the role of this variant in disease. Therefore, it has been classified as a Variant of Uncertain Significance. Advanced modeling of protein sequence and biophysical properties (such as structural, functional, and spatial information, amino acid conservation, physicochemical variation, residue mobility, and thermodynamic stability) has been performed at Invitae for this missense variant, however the output from this modeling did not meet the statistical confidence thresholds required to predict the impact of this variant on MYH3 protein function. This missense change has been observed in individual(s) with arthrogryposis (Invitae). This variant is not present in population databases (gnomAD no frequency). This sequence change replaces proline, which is neutral and non-polar, with leucine, which is neutral and non-polar, at codon 308 of the MYH3 protein (p.Pro308Leu).

NM_002470.4(MYH3):c.923C>T (p.Pro308Leu)

Gene: MYH3 (myosin heavy chain 3; minus strand). Cytogenetic location: 17p13.1.
Variant type: single nucleotide variant.
Coding change: c.923C>T on transcript NM_002470.4 (MANE Select); coding-DNA position 923, C replaced by T.
Protein change: p.Pro308Leu; replaces proline 308 with leucine.
Molecular consequence: missense variant.
Genome position (GRCh38, 1-based): chr17:10,646,008, G>A on the plus strand (C>T on the coding strand, the complement: MYH3 is on the minus strand). VCF-style: chr17-10646008-G-A. GRCh37 (hg19) VCF-style: chr17-10549325-G-A.
Other names: c.923C>T (NM_002470.3); short protein forms P308L.
Identifiers: ClinVar variation 2764679 (VCV002764679.4), dbSNP rs2508627217, ClinGen allele CA398177376.